The following is an entry in ClinVar:

ClinVar aggregate classification (germline): Uncertain significance (1 of 4 stars; one submission).

Conditions:
Polycystic kidney disease, adult type (PKD1). Also called: POLYCYSTIC KIDNEY DISEASE, ADULT, TYPE I; Polycystic Kidney Disease 1, Autosomal Dominant; Polycystic kidney disease 1; Polycystic kidney disease 1, severe; Polycystic Kidney, Autosomal Dominant; POLYCYSTIC KIDNEY DISEASE 1 WITH OR WITHOUT POLYCYSTIC LIVER DISEASE. Identifiers: MedGen C3149841, MONDO:0008263, OMIM 173900.

Submission:

Juno Genomics, Hangzhou Juno Genomics, Inc
Classification: Uncertain significance for Polycystic kidney disease, adult type. Review status: criteria provided, single submitter. Criteria: ACMG Guidelines, 2015. Collection method: clinical testing. Allele origin: germline. Affected: yes.
Comment: Absent from controls (or at extremely low frequency if recessive) in Genome Aggregation Database, Exome Sequencing Project, 1000 Genomes Project, or Exome Aggregation Consortium.;Patient's phenotype or family history is highly specific for a disease with a single genetic etiology.

NM_001009944.3(PKD1):c.1331T>G (p.Leu444Arg)

Gene: PKD1 (polycystin 1, transient receptor potential channel interacting; minus strand). Cytogenetic location: 16p13.3.
Variant type: single nucleotide variant.
Coding change: c.1331T>G on transcript NM_001009944.3 (MANE Select); coding-DNA position 1331, T replaced by G.
Protein change: p.Leu444Arg; replaces leucine 444 with arginine.
Molecular consequence: missense variant.
Genome position (GRCh38, 1-based): chr16:2,117,543, A>C on the plus strand (T>G on the coding strand, the complement: PKD1 is on the minus strand). VCF-style: chr16-2117543-A-C. GRCh37 (hg19) VCF-style: chr16-2167544-A-C.
Other names: c.1331T>G, p.Leu444Arg (NM_000296.4); short protein forms L444R.
Identifiers: ClinVar variation 3382179 (VCV003382179.2).